The following is an entry in ClinVar:

ClinVar aggregate classification (germline): Uncertain significance (1 of 4 stars; one submission).

Allele frequency attached by ClinVar (database versions not stated): gnomAD exomes 0.00001; TOPMed 0.00001.
gnomAD v4.1: 10 of 1,614,060 alleles (0.00062%); highest among the groups gnomAD compares: South Asian, 0.0022%; no homozygotes.

Submission:

GeneDx
Classification: Uncertain significance. Last evaluated: 2020-03-20. Review status: criteria provided, single submitter. Criteria: GeneDx Variant Classification Process June 2021. Collection method: clinical testing. Allele origin: germline. Affected: yes.
Comment: Not observed in large population cohorts (Lek et al., 2016); In silico analysis supports that this missense variant has a deleterious effect on protein structure/function; Has not been previously published as pathogenic or benign to our knowledge; This variant is associated with the following publications: (PMID: 30919572)

NM_003722.5(TP63):c.1013G>A (p.Arg338His)

Gene: TP63 (tumor protein p63; plus strand). Cytogenetic location: 3q28.
Variant type: single nucleotide variant.
Coding change: c.1013G>A on transcript NM_003722.5 (MANE Select); coding-DNA position 1013, G replaced by A.
Protein change: p.Arg338His; replaces arginine 338 with histidine.
Molecular consequence: missense variant.
Genome position (GRCh38, 1-based): chr3:189,868,600, G>A. VCF-style: chr3-189868600-G-A. GRCh37 (hg19) VCF-style: chr3-189586389-G-A.
Other names: c.1013G>A, p.Arg338His (NM_001114978.2, NM_001114979.2, NM_001329144.2 and 1 more transcripts); c.731G>A, p.Arg244His (NM_001114980.2, NM_001114981.2, NM_001114982.2 and 2 more transcripts); c.476G>A, p.Arg159His (NM_001329146.2, NM_001329150.2); c.1007G>A, p.Arg336His (NM_001329964.2); short protein forms R338H, R159H, R336H, R244H.
Identifiers: ClinVar variation 431904 (VCV000431904.3), dbSNP rs1029852196, ClinGen allele CA89746661.